The following is an entry in ClinVar:

NM_000465.4(BARD1):c.311T>C (p.Met104Thr)

Gene: BARD1 (BRCA1 associated RING domain 1; minus strand). Cytogenetic location: 2q35.
Variant type: single nucleotide variant.
Coding change: c.311T>C on transcript NM_000465.4 (MANE Select); coding-DNA position 311, T replaced by C.
Protein change: p.Met104Thr; replaces methionine 104 with threonine.
Molecular consequence: missense variant. On other transcripts: non-coding transcript variant (1), intron variant (2).
Genome position (GRCh38, 1-based): chr2:214,792,350, A>G on the plus strand (T>C on the coding strand, the complement: BARD1 is on the minus strand). VCF-style: chr2-214792350-A-G. GRCh37 (hg19) VCF-style: chr2-215657074-A-G.
Other names: c.254T>C, p.Met85Thr (NM_001282543.2); c.311T>C, p.Met104Thr (NM_001282549.2); c.158+17062T>C (NM_001282548.2); c.215+4711T>C (NM_001282545.2); short protein forms M104T, M85T.
Identifiers: ClinVar variation 231518 (VCV000231518.8), dbSNP rs876659204, ClinGen allele CA10577850.

ClinVar aggregate classification (germline): Uncertain significance. Review status: criteria provided, multiple submitters, no conflicts (2 of 4 stars). 2 submissions from 2 submitters: Uncertain significance (2). Last evaluated 2024-01-28.

Conditions:
Familial cancer of breast. Also called: BREAST CANCER, FAMILIAL; hereditary breast carcinoma; Hereditary breast cancer. Identifiers: Orphanet 227535, MedGen C0346153, MONDO:0016419, OMIM 114480. Disease mechanism: loss of function.
Hereditary cancer-predisposing syndrome. Also called: Neoplastic Syndromes, Hereditary; Tumor predisposition; Hereditary Cancer Syndrome; Hereditary neoplastic syndrome. Identifiers: Orphanet 140162, MedGen C0027672, MeSH D009386, MONDO:0015356.

Allele frequency attached by ClinVar (database versions not stated): gnomAD exomes below 0.00001.

Submissions (2):

Labcorp Genetics (formerly Invitae), Labcorp
Classification: Uncertain significance for Familial cancer of breast. Last evaluated: 2024-01-28. Review status: criteria provided, single submitter. Criteria: Invitae Variant Classification Sherloc (09022015). Collection method: clinical testing. Allele origin: germline.
Comment: This sequence change replaces methionine, which is neutral and non-polar, with threonine, which is neutral and polar, at codon 104 of the BARD1 protein (p.Met104Thr). This variant is not present in population databases (gnomAD no frequency). This variant has not been reported in the literature in individuals affected with BARD1-related conditions. ClinVar contains an entry for this variant (Variation ID: 231518). An algorithm developed to predict the effect of missense changes on protein structure and function (PolyPhen-2) suggests that this variant is likely to be disruptive. In summary, the available evidence is currently insufficient to determine the role of this variant in disease. Therefore, it has been classified as a Variant of Uncertain Significance.

Ambry Genetics
Classification: Uncertain significance for Hereditary cancer-predisposing syndrome. Last evaluated: 2015-04-29. Review status: criteria provided, single submitter. Criteria: Ambry Variant Classification Scheme 2023. Collection method: clinical testing. Allele origin: germline.
Comment: The p.M104T variant (also known as c.311T>C), located in coding exon 3 of the BARD1 gene, results from a T to C substitution at nucleotide position 311. The methionine at codon 104 is replaced by threonine, an amino acid with similar properties. This variant was not reported in population based cohorts in the following databases: Database of Single Nucleotide Polymorphisms (dbSNP), NHLBI Exome Sequencing Project (ESP), and 1000 Genomes Project. In the ESP, this variant was not observed in 6503 samples (13006 alleles) with coverage at this position. To date, this alteration has been detected with an allele frequency of approximately 0.002% (greater than 65000 alleles tested) in our clinical cohort. This amino acid position is well conserved in available vertebrate species. In addition, this alteration is predicted to be tolerated by in silico analysis. Since supporting evidence is limited at this time, the clinical significance of p.M104T remains unclear.